The following is an entry in ClinVar:

ClinVar aggregate classification (germline): Conflicting classifications of pathogenicity. Review status: criteria provided, conflicting classifications (1 of 4 stars). 12 submissions from 12 submitters: Uncertain significance (4); Benign (4); Likely benign (2). 2 of the submissions do not count toward it. Last evaluated 2026-01-21.

Conditions:
USH2A-related disorder. Also called: USH2A-related disorders; USH2A-related condition. Identifiers: MedGen CN239332.
Retinitis pigmentosa 39 (RP39). Identifiers: Orphanet 791, MedGen C3151138, MONDO:0013436, OMIM 613809.
Usher syndrome type 2A. Also called: USHER SYNDROME, TYPE IIA; RETINAL DISEASE IN USHER SYNDROME TYPE IIA, MODIFIER OF. Identifiers: Orphanet 231178, Orphanet 886, MedGen C1848634, MONDO:0010169, OMIM 276901.

Allele frequency attached by ClinVar (database versions not stated): TOPMed 0.00056; ExAC 0.00078; gnomAD exomes 0.00078; 1000 Genomes Project 30x 0.00156; 1000 Genomes Project 0.00160; gnomAD 0.00051.
gnomAD v4.1: 504 of 1,613,936 alleles (0.031%); highest among the groups gnomAD compares: East Asian, 1%; 4 homozygotes.

Submissions (12):

Labcorp Genetics (formerly Invitae), Labcorp
Classification: Benign. Last evaluated: 2026-01-21. Review status: criteria provided, single submitter. Criteria: Invitae Variant Classification Sherloc (09022015). Collection method: clinical testing. Allele origin: germline.

GeneDx
Classification: Uncertain significance. Last evaluated: 2025-10-28. Review status: criteria provided, single submitter. Criteria: GeneDx Variant Classification Process June 2021. Collection method: clinical testing. Allele origin: germline. Affected: yes.
Comment: In silico analysis supports that this missense variant has a deleterious effect on protein structure/function; This variant is associated with the following publications: (PMID: 30073356, 30245029, 23591405, 25356976, 24938718, 25078356, 24853665, 26346818, 29625443, 30804660, 32090030, 33105608, 34426522, 33691693, 33090715, 35114279, 35860547, 32188678, 32675063, 35836572, 30826590, 36597107, 34515852, 36504663, 33124170, 23967202, 39443691)

PreventionGenetics, part of Exact Sciences
Classification: Likely benign for USH2A-related condition. Last evaluated: 2025-01-23. Review status: criteria provided, single submitter. Criteria: ACMG Guidelines, 2015. Collection method: clinical testing. Allele origin: germline.
Comment: This variant is classified as likely benign based on ACMG/AMP sequence variant interpretation guidelines (Richards et al. 2015 PMID: 25741868, with internal and published modifications).

Blueprint Genetics
Classification: Likely benign. Last evaluated: 2024-11-01. Review status: criteria provided, single submitter. Criteria: ACMG Guidelines, 2015. Collection method: clinical testing. Allele origin: germline.

CeGaT Center for Human Genetics Tuebingen
Classification: Benign. Last evaluated: 2023-02-01. Review status: criteria provided, single submitter. Criteria: CeGaT Center For Human Genetics Tuebingen Variant Classification Criteria Version 2. Collection method: clinical testing. Allele origin: germline. Affected: yes. Observed: 1 variant allele.
Comment: USH2A: BP4, BS1, BS2

Women's Health and Genetics/Laboratory Corporation of America, LabCorp
Classification: Uncertain significance. Last evaluated: 2022-03-05. Review status: criteria provided, single submitter. Criteria: LabCorp Variant Classification Summary - May 2015. Collection method: clinical testing. Allele origin: germline.
Comment: Variant summary: USH2A c.7068T>G (p.Asn2356Lys) results in a non-conservative amino acid change located in the Fibronectin type III domain (IPR003961) of the encoded protein sequence. Four of five in-silico tools predict a damaging effect of the variant on protein function. The variant allele was found at a frequency of 0.001 in 291028 control chromosomes, predominantly at a frequency of 0.01 within the East Asian subpopulation in the gnomAD database and has also been reported as a common variant in the Japanese normal hearing population (example, Moteki_2016). This frequency is close to or almost similar (i.e., not significantly lower) than estimated for a pathogenic variant in USH2A causing Usher Syndrome (0.01 in East Asian cohorts vs 0.011), supporting a benign outcome. In a cross sectional ascertainment spanning 2013-2021, c.7068T>G has been reported in the literature as a VUS and/or non-informative genotype in settings of multigene panel testing predominantly among East Asian cohorts of individuals with a variety of Usher syndrome related manifestations such as hearing loss (example, Miyagawa_2013), sporadic retinal dystrophy (example, Glockle_2014), Inherited Retinal Degeneration cohort (example, Huang_2015), Japanese Normal Hearing cohort (Moteki_2016), Usher syndrome cohort (example, Galli-Resta_2018, Meng_2021), an individual with Usher syndrome compound heterozygous for causative variants in the MYO7A gene (example, Li_2019), possible digenic association proposed in an individual with Inherited Retinal Degeneration (example, Liu_2020). These report(s) do not provide unequivocal conclusions about association of the variant with Usher Syndrome. To our knowledge, no experimental evidence demonstrating an impact on protein function has been reported. Seven clinical diagnostic laboratories have submitted clinical-significance assessments for this variant to ClinVar after 2014 without evidence for independent evaluation. Multiple laboratories reported the variant with conflicting assessments (benign/likely benign, n=3; VUS, n=4). Some submitters cite overlapping evidence utilized in the context of this evaluation. Based on the evidence outlined above, the variant was classified as VUS-possibly benign.

ARUP Laboratories, Molecular Genetics and Genomics, ARUP Laboratories
Classification: Benign. Last evaluated: 2022-02-28. Review status: criteria provided, single submitter. Criteria: ARUP Molecular Germline Variant Investigation Process 2021. Collection method: clinical testing. Allele origin: germline.

Mendelics
Classification: Uncertain significance for Usher syndrome type 2A. Last evaluated: 2019-05-28. Review status: criteria provided, single submitter. Criteria: Mendelics Assertion Criteria 2017. Collection method: clinical testing. Allele origin: unknown.

Laboratory for Molecular Medicine, Mass General Brigham Personalized Medicine
Classification: Benign. Last evaluated: 2017-09-04. Review status: criteria provided, single submitter. Criteria: LMM Criteria. Collection method: clinical testing. Allele origin: germline. Observed: 2 variant alleles.

Soonchunhyang University Bucheon Hospital, Soonchunhyang University Medical Center
Classification: Uncertain significance for Usher syndrome type 2A. Last evaluated: 2016-03-18. Review status: criteria provided, single submitter. Criteria: ACMG Guidelines, 2015. Collection method: reference population. Allele origin: germline. Observed: 2 variant alleles.

Natera, Inc.
Classification: Likely benign for Usher syndrome type 2A. Last evaluated: 2020-04-03. Review status: no assertion criteria provided. Collection method: clinical testing. Allele origin: germline. Not counted in ClinVar's aggregate classification.

Counsyl
Classification: Uncertain significance for Usher syndrome type 2A; Retinitis pigmentosa 39. Last evaluated: 2017-12-20. Review status: no assertion criteria provided. Collection method: clinical testing. Allele origin: unknown. Not counted in ClinVar's aggregate classification.

Literature cited by the submitters: PubMed 23967202 (cited by 4 submitters); PubMed 23591405 (cited by 3 submitters); PubMed 25356976 (cited by 3 submitters); PubMed 26346818 (cited by Women's Health and Genetics/Laboratory Corporation of America, LabCorp and Counsyl); PubMed 30073356 (cited by Women's Health and Genetics/Laboratory Corporation of America, LabCorp); PubMed 30826590 (cited by Women's Health and Genetics/Laboratory Corporation of America, LabCorp); PubMed 32090030 (cited by Women's Health and Genetics/Laboratory Corporation of America, LabCorp); PubMed 33124170 (cited by Women's Health and Genetics/Laboratory Corporation of America, LabCorp); PubMed 24938718 (cited by Laboratory for Molecular Medicine, Mass General Brigham Personalized Medicine and Counsyl); PubMed 25078356 (cited by Laboratory for Molecular Medicine, Mass General Brigham Personalized Medicine and Counsyl); PubMed 24853665 (cited by Counsyl).

NM_206933.4(USH2A):c.7068T>G (p.Asn2356Lys)

Gene: USH2A (usherin; minus strand). Cytogenetic location: 1q41.
Variant type: single nucleotide variant.
Coding change: c.7068T>G on transcript NM_206933.4 (MANE Select); coding-DNA position 7068, T replaced by G.
Protein change: p.Asn2356Lys; replaces asparagine 2356 with lysine.
Molecular consequence: missense variant.
Genome position (GRCh38, 1-based): chr1:215,965,369, A>C on the plus strand (T>G on the coding strand, the complement: USH2A is on the minus strand). VCF-style: chr1-215965369-A-C. GRCh37 (hg19) VCF-style: chr1-216138711-A-C.
Other names: short protein forms N2356K.
Identifiers: ClinVar variation 48576 (VCV000048576.53), dbSNP rs200038092, ClinGen allele CA143585.